The following is an entry in ClinVar:

ClinVar aggregate classification (germline): Benign/Likely benign. Review status: criteria provided, multiple submitters, no conflicts (2 of 4 stars). 5 submissions from 5 submitters: Benign (2); Likely benign (2). 1 of the submissions does not count toward it. Last evaluated 2026-09-01.

Conditions:
IRF2BPL-related disorder. Also called: IRF2BPL-related condition. Identifiers: MedGen CN381093.

Allele frequency attached by ClinVar (database versions not stated): gnomAD exomes 0.00196 and 0.00339; 1000 Genomes Project 30x 0.00234; gnomAD 0.00277 and 0.00281; ExAC 0.00518.
gnomAD v4.1: 3,327 of 1,553,756 alleles (0.21%); highest among the groups gnomAD compares: Middle Eastern, 1.4%; 22 homozygotes.

Submissions (5):

CeGaT Center for Human Genetics Tuebingen
Classification: Benign. Last evaluated: 2026-09-01. Review status: criteria provided, single submitter. Criteria: CeGaT Center For Human Genetics Tuebingen Variant Classification Criteria Version 2. Collection method: clinical testing. Allele origin: germline. Affected: yes. Observed: 16 variant alleles.
Comment: IRF2BPL: BP4, BP7, BS1, BS2

Mayo Clinic Laboratories, Mayo Clinic
Classification: Benign. Last evaluated: 2025-01-28. Review status: criteria provided, single submitter. Criteria: ACMG Guidelines, 2015. Collection method: clinical testing. Allele origin: germline. Observed: 1 variant allele.
Comment: BA1, BS2, BP4, BP7

Blueprint Genetics
Classification: Likely benign. Last evaluated: 2024-11-22. Review status: criteria provided, single submitter. Criteria: ACMG Guidelines, 2015. Collection method: clinical testing. Allele origin: germline.

Breakthrough Genomics
Classification: Likely benign. Review status: criteria provided, single submitter. Criteria: ACMG Guidelines, 2015. Collection method: not provided. Allele origin: germline. Inheritance: Autosomal dominant inheritance. Affected: yes.

PreventionGenetics, part of Exact Sciences
Classification: Benign for IRF2BPL-related condition. Last evaluated: 2022-01-31. Review status: no assertion criteria provided. Collection method: clinical testing. Allele origin: germline. Not counted in ClinVar's aggregate classification.
Comment: This variant is classified as benign based on ACMG/AMP sequence variant interpretation guidelines (Richards et al. 2015 PMID: 25741868, with internal and published modifications).

NM_024496.4(IRF2BPL):c.1785T>G (p.Gly595=)

Gene: IRF2BPL (interferon regulatory factor 2 binding protein like; minus strand). Cytogenetic location: 14q24.3.
Variant type: single nucleotide variant.
Coding change: c.1785T>G on transcript NM_024496.4 (MANE Select); coding-DNA position 1785, T replaced by G.
Protein change: p.Gly595=; no amino-acid change (glycine 595 retained).
Molecular consequence: synonymous variant.
Genome position (GRCh38, 1-based): chr14:77,026,008, A>C on the plus strand (T>G on the coding strand, the complement: IRF2BPL is on the minus strand). VCF-style: chr14-77026008-A-C. GRCh37 (hg19) VCF-style: chr14-77492351-A-C.
Other names: p.Gly595=; c.1785T>G (NM_024496.3).
Identifiers: ClinVar variation 1013050 (VCV001013050.42), dbSNP rs368940091, ClinGen allele CA7283609.
Genomic context (GRCh38, chr14:77,026,008, plus strand): 5'-TGACTCAGGTGGGGTGGTCCGGTTGGAATGGGGTCCCAGAGGTGGGGGCGGCGGAGGCGG[A>C]CCCCCCGCCGCGTGCCCCGGCGCCGCGAAGCCCCCGGCGGACATGGTGAGCTTCAGCGCC-3'
Protein context (NP_078772.1, residues 585-605): GFAAPGHAAG[Gly595=]PPPPPPPLGP